The following is an entry in ClinVar:

ClinVar aggregate classification (germline): Likely benign (1 of 4 stars; one submission).

gnomAD v4.1: 23 of 1,613,758 alleles (0.0014%); highest among the groups gnomAD compares: Middle Eastern, 0.033%; no homozygotes.

Submission:

CeGaT Center for Human Genetics Tuebingen
Classification: Likely benign. Last evaluated: 2024-07-01. Review status: criteria provided, single submitter. Criteria: CeGaT Center For Human Genetics Tuebingen Variant Classification Criteria Version 2. Collection method: clinical testing. Allele origin: germline. Affected: yes. Observed: 1 variant allele.
Comment: DOCK3: BP4, BP7

NM_004947.5(DOCK3):c.4185G>A (p.Pro1395=)

Gene: DOCK3 (dedicator of cytokinesis 3; plus strand). Cytogenetic location: 3p21.2.
Variant type: single nucleotide variant.
Coding change: c.4185G>A on transcript NM_004947.5 (MANE Select); coding-DNA position 4185, G replaced by A.
Protein change: p.Pro1395=; no amino-acid change (proline 1395 retained).
Molecular consequence: synonymous variant.
Genome position (GRCh38, 1-based): chr3:51,354,959, G>A. VCF-style: chr3-51354959-G-A. GRCh37 (hg19) VCF-style: chr3-51392390-G-A.
Identifiers: ClinVar variation 3257043 (VCV003257043.17).